The following is an entry in ClinVar:

NM_000124.4(ERCC6):c.2459A>G (p.Lys820Arg)

Gene: ERCC6 (ERCC excision repair 6, chromatin remodeling factor; minus strand). Cytogenetic location: 10q11.23.
Variant type: single nucleotide variant.
Coding change: c.2459A>G on transcript NM_000124.4 (MANE Select); coding-DNA position 2459, A replaced by G.
Protein change: p.Lys820Arg; replaces lysine 820 with arginine.
Molecular consequence: missense variant.
Genome position (GRCh38, 1-based): chr10:49,474,166, T>C on the plus strand (A>G on the coding strand, the complement: ERCC6 is on the minus strand). VCF-style: chr10-49474166-T-C. GRCh37 (hg19) VCF-style: chr10-50682212-T-C.
Other names: c.2459A>G, p.Lys820Arg (NM_001346440.2); short protein forms K820R.
Identifiers: ClinVar variation 2172872 (VCV002172872.1), dbSNP rs774391199, ClinGen allele CA5495639.

ClinVar aggregate classification (germline): Uncertain significance (1 of 4 stars; one submission).

Allele frequency attached by ClinVar (database versions not stated): gnomAD exomes below 0.00001; ExAC 0.00001; TOPMed 0.00002.
gnomAD v4.1: 4 of 1,614,140 alleles (0.00025%); highest among the groups gnomAD compares: Admixed American, 0.0033%; no homozygotes.

Submission:

Labcorp Genetics (formerly Invitae), Labcorp
Classification: Uncertain significance. Last evaluated: 2022-03-26. Review status: criteria provided, single submitter. Criteria: Invitae Variant Classification Sherloc (09022015). Collection method: clinical testing. Allele origin: germline.
Comment: This sequence change replaces lysine, which is basic and polar, with arginine, which is basic and polar, at codon 820 of the ERCC6 protein (p.Lys820Arg). This variant is present in population databases (rs774391199, gnomAD 0.007%). This variant has not been reported in the literature in individuals affected with ERCC6-related conditions. Algorithms developed to predict the effect of missense changes on protein structure and function output the following: SIFT: "Tolerated"; PolyPhen-2: "Benign"; Align-GVGD: "Class C0". The arginine amino acid residue is found in multiple mammalian species, which suggests that this missense change does not adversely affect protein function. In summary, the available evidence is currently insufficient to determine the role of this variant in disease. Therefore, it has been classified as a Variant of Uncertain Significance.